The following is an entry in ClinVar:

ClinVar aggregate classification (germline): Uncertain significance (1 of 4 stars; one submission).

Submission:

GeneDx
Classification: Uncertain significance. Last evaluated: 2026-02-23. Review status: criteria provided, single submitter. Criteria: GeneDx Variant Classification Process June 2021. Collection method: clinical testing. Allele origin: germline.
Comment: Not observed at significant frequency in large population cohorts (gnomAD); In silico analysis suggests that this missense variant does not alter protein structure/function; Has not been previously published as pathogenic or benign to our knowledge

NM_014159.7(SETD2):c.6267G>C (p.Glu2089Asp)

Gene: SETD2 (SET domain containing 2, histone lysine methyltransferase; minus strand). Cytogenetic location: 3p21.31.
Variant type: single nucleotide variant.
Coding change: c.6267G>C on transcript NM_014159.7 (MANE Select); coding-DNA position 6267, G replaced by C.
Protein change: p.Glu2089Asp; replaces glutamic acid 2089 with aspartic acid.
Molecular consequence: missense variant. On other transcripts: non-coding transcript variant (1).
Genome position (GRCh38, 1-based): chr3:47,062,189, C>G on the plus strand (G>C on the coding strand, the complement: SETD2 is on the minus strand). VCF-style: chr3-47062189-C-G. GRCh37 (hg19) VCF-style: chr3-47103679-C-G.
Other names: c.6135G>C, p.Glu2045Asp (NM_001349370.3); short protein forms E2089D, E2045D.
Identifiers: ClinVar variation 5009760 (VCV005009760.1).